The following is an entry in ClinVar:

NM_001146312.3(MYOCD):c.2194C>T (p.Gln732Ter)

Gene: MYOCD (myocardin; plus strand). Cytogenetic location: 17p12.
Variant type: single nucleotide variant.
Coding change: c.2194C>T on transcript NM_001146312.3 (MANE Select); coding-DNA position 2194, C replaced by T.
Protein change: p.Gln732Ter; replaces glutamine 732 with a stop codon.
Molecular consequence: nonsense. On other transcripts: intron variant (1).
Genome position (GRCh38, 1-based): chr17:12,756,549, C>T. VCF-style: chr17-12756549-C-T. GRCh37 (hg19) VCF-style: chr17-12659866-C-T.
Other names: c.1957C>T, p.Gln653Ter (NM_001378306.1); c.2059-1536C>T (NM_153604.4); short protein forms Q653*, Q732*.
Identifiers: ClinVar variation 4537544 (VCV004537544.1).

ClinVar aggregate classification (germline): Uncertain significance (1 of 4 stars; one submission).

Submission:

GeneDx
Classification: Uncertain significance. Last evaluated: 2025-06-12. Review status: criteria provided, single submitter. Criteria: GeneDx Variant Classification Process June 2021. Collection method: clinical testing. Allele origin: germline. Affected: yes.
Comment: Nonsense variant predicted to result in protein truncation or nonsense mediated decay in a gene or region of a gene for which loss-of-function is not an established mechanism of disease; Not observed at significant frequency in large population cohorts (gnomAD); Has not been previously published as pathogenic or benign to our knowledge